The following is an entry in ClinVar:

ClinVar aggregate classification (germline): Conflicting classifications of pathogenicity. Review status: criteria provided, conflicting classifications (1 of 4 stars). 3 submissions from 3 submitters: Likely pathogenic (2); Uncertain significance (1). Last evaluated 2026-02-03.

Conditions:
Intellectual developmental disorder, autosomal dominant 41. Also called: Intellectual disability, autosomal dominant 41. Identifiers: Orphanet 2823, MedGen C4310784, MONDO:0014842, OMIM 616944.
Intellectual disability. Also called: Intellectual functioning disability; Intellectual developmental disorder; intellectual disabilities. Identifiers: MedGen C3714756, MeSH D008607, MONDO:0001071, HP:0001249.

Submissions (3):

Institute of Human Genetics, University of Leipzig Medical Center
Classification: Likely pathogenic for Intellectual developmental disorder, autosomal dominant 41. Last evaluated: 2026-02-03. Review status: criteria provided, single submitter. Criteria: ACMG Guidelines, 2015. Collection method: clinical testing. Allele origin: unknown. Inheritance: Autosomal dominant inheritance. Affected: yes.
Comment: Criteria applied: PS2_MOD,PM2,PS4_SUP,PP2,PP3

GeneDx
Classification: Uncertain significance. Last evaluated: 2024-02-06. Review status: criteria provided, single submitter. Criteria: GeneDx Variant Classification Process June 2021. Collection method: clinical testing. Allele origin: germline.
Comment: Not observed at significant frequency in large population cohorts (gnomAD); In silico analysis supports that this missense variant has a deleterious effect on protein structure/function; Has not been previously published as pathogenic or benign to our knowledge

Diagnostic Laboratory, Strasbourg University Hospital
Classification: Likely pathogenic for Intellectual disability. Last evaluated: 2020-09-10. Review status: criteria provided, single submitter. Criteria: ACMG Guidelines, 2015. Collection method: clinical testing. Allele origin: de novo. Affected: yes. Observed: 1 heterozygote.

NM_024665.7(TBL1XR1):c.920A>G (p.His307Arg)

Genes: TBL1XR1 (TBL1X/Y related 1; minus strand), TBL1XR1-AS1 (TBL1XR1 antisense RNA 1; plus strand). Cytogenetic location: 3q26.32.
Variant type: single nucleotide variant.
Coding change: c.920A>G on transcript NM_024665.7 (MANE Select); coding-DNA position 920, A replaced by G.
Protein change: p.His307Arg; replaces histidine 307 with arginine.
Molecular consequence: missense variant.
Genome position (GRCh38, 1-based): chr3:177,046,134, T>C on the plus strand (A>G on the coding strand, the complement: TBL1XR1 is on the minus strand). VCF-style: chr3-177046134-T-C. GRCh37 (hg19) VCF-style: chr3-176763922-T-C.
Other names: c.920A>G, p.His307Arg (NM_001321193.3, NM_001321194.3, NM_001374327.1 and 2 more transcripts); c.659A>G, p.His220Arg (NM_001321195.3, NM_001374330.1); short protein forms H220R, H307R.
Identifiers: ClinVar variation 981405 (VCV000981405.4), dbSNP rs1716297832, ClinGen allele CA355551831.